The following is an entry in ClinVar:

ClinVar aggregate classification (germline): Uncertain significance (1 of 4 stars; one submission).

Conditions:
Myoclonic epilepsy, juvenile, susceptibility to, 1. Also called: Myoclonic Epilepsy, Juvenile, 1; EJM1. Identifiers: MedGen C1850778, MONDO:0020752, OMIM 254770.
Absence seizure. Also called: Absence epilepsy. Identifiers: Orphanet 1941, MedGen C0014553.

Allele frequency attached by ClinVar (database versions not stated): gnomAD 0.00001; ExAC 0.00003.
gnomAD v4.1: 7 of 1,613,944 alleles (0.00043%); highest among the groups gnomAD compares: Admixed American, 0.012%; no homozygotes.

Submission:

Labcorp Genetics (formerly Invitae), Labcorp
Classification: Uncertain significance for Myoclonic epilepsy, juvenile, susceptibility to, 1; Absence seizure. Last evaluated: 2020-09-03. Review status: criteria provided, single submitter. Criteria: Invitae Variant Classification Sherloc (09022015). Collection method: clinical testing. Allele origin: germline.
Comment: This sequence change affects codon 241 of the EFHC1 mRNA. It is a 'silent' change, meaning that it does not change the encoded amino acid sequence of the EFHC1 protein. This variant is present in population databases (rs750912328, ExAC 0.03%). This variant has not been reported in the literature in individuals with EFHC1-related conditions. In summary, the available evidence is currently insufficient to determine the role of this variant in disease. Therefore, it has been classified as a Variant of Uncertain Significance. Algorithms developed to predict the effect of sequence changes on RNA splicing suggest that this variant is not likely to affect RNA splicing, but this prediction has not been confirmed by published transcriptional studies.

NM_018100.4(EFHC1):c.723G>A (p.Gln241=)

Gene: EFHC1 (EF-hand domain containing 1; plus strand). Cytogenetic location: 6p12.2.
Variant type: single nucleotide variant.
Coding change: c.723G>A on transcript NM_018100.4 (MANE Select); coding-DNA position 723, G replaced by A.
Protein change: p.Gln241=; no amino-acid change (glutamine 241 retained).
Molecular consequence: synonymous variant. On other transcripts: non-coding transcript variant (1).
Genome position (GRCh38, 1-based): chr6:52,452,837, G>A. VCF-style: chr6-52452837-G-A. GRCh37 (hg19) VCF-style: chr6-52317635-G-A.
Other names: c.666G>A, p.Gln222= (NM_001172420.2).
Identifiers: ClinVar variation 1063222 (VCV001063222.10), dbSNP rs750912328, ClinGen allele CA3855807.